The following is an entry in ClinVar:

NM_012210.4(TRIM32):c.1226G>A (p.Arg409His)

Genes: ASTN2 (astrotactin 2; minus strand), TRIM32 (tripartite motif containing 32; plus strand). Cytogenetic location: 9q33.1.
Variant type: single nucleotide variant.
Coding change: c.1226G>A on transcript NM_012210.4 (MANE Select); coding-DNA position 1226, G replaced by A.
Protein change: p.Arg409His; replaces arginine 409 with histidine.
Molecular consequence: missense variant. On other transcripts: intron variant (3).
Genome position (GRCh38, 1-based): chr9:116,698,968, G>A. VCF-style: chr9-116698968-G-A. GRCh37 (hg19) VCF-style: chr9-119461247-G-A.
Other names: c.2794+26803C>T (NM_001365069.1); c.2806+26803C>T (NM_001365068.1); c.1226G>A, p.Arg409His (NM_001099679.2, NM_001379048.1, NM_001379049.1 and 1 more transcripts); c.2653+26803C>T (NM_014010.5); short protein forms R409H.
Identifiers: ClinVar variation 95494 (VCV000095494.16), dbSNP rs145828717, ClinGen allele CA223029.

ClinVar aggregate classification (germline): Uncertain significance. Review status: criteria provided, multiple submitters, no conflicts (2 of 4 stars). 4 submissions from 4 submitters: Uncertain significance (4). Last evaluated 2024-02-10.

Conditions:
Bardet-Biedl syndrome 11 (BBS11). Identifiers: Orphanet 110, MedGen C1859569, MONDO:0014439, OMIM 615988.
Sarcotubular myopathy (LGMDR8). Also called: Limb-girdle muscular dystrophy, type 2H; MUSCULAR DYSTROPHY, LIMB-GIRDLE, AUTOSOMAL RECESSIVE 8; Hutterite type of muscular dystrophy; Autosomal recessive limb-girdle muscular dystrophy type 2H. Identifiers: Orphanet 1878, MedGen C0270968, MONDO:0009683, OMIM 254110.
Bardet-Biedl syndrome (BBS). Identifiers: Orphanet 110, MedGen C0752166, MONDO:0015229.

Allele frequency attached by ClinVar (database versions not stated): gnomAD exomes 0.00003 and 0.00002; ESP Exome Variant Server 0.00015; TOPMed 0.00004; ExAC 0.00003; gnomAD 0.00003.
gnomAD v4.1: 47 of 1,614,004 alleles (0.0029%); highest among the groups gnomAD compares: African/African-American, 0.0067%; no homozygotes.

Submissions (4):

Fulgent Genetics
Classification: Uncertain significance for Sarcotubular myopathy; Bardet-Biedl syndrome 11. Last evaluated: 2024-02-10. Review status: criteria provided, single submitter. Criteria: ACMG Guidelines, 2015. Collection method: clinical testing. Allele origin: germline.

GeneDx
Classification: Uncertain significance. Last evaluated: 2023-12-19. Review status: criteria provided, single submitter. Criteria: GeneDx Variant Classification Process June 2021. Collection method: clinical testing. Allele origin: germline. Affected: yes.
Comment: Not observed at significant frequency in large population cohorts (gnomAD); In silico analysis supports that this missense variant does not alter protein structure/function; Has not been previously published as pathogenic or benign to our knowledge

Labcorp Genetics (formerly Invitae), Labcorp
Classification: Uncertain significance for Bardet-Biedl syndrome. Last evaluated: 2022-07-20. Review status: criteria provided, single submitter. Criteria: Invitae Variant Classification Sherloc (09022015). Collection method: clinical testing. Allele origin: germline.
Comment: This sequence change replaces arginine, which is basic and polar, with histidine, which is basic and polar, at codon 409 of the TRIM32 protein (p.Arg409His). This variant is present in population databases (rs145828717, gnomAD 0.008%). This variant has not been reported in the literature in individuals affected with TRIM32-related conditions. ClinVar contains an entry for this variant (Variation ID: 95494). Algorithms developed to predict the effect of missense changes on protein structure and function (SIFT, PolyPhen-2, Align-GVGD) all suggest that this variant is likely to be disruptive. In summary, the available evidence is currently insufficient to determine the role of this variant in disease. Therefore, it has been classified as a Variant of Uncertain Significance.

Eurofins Ntd Llc (ga)
Classification: Uncertain significance. Last evaluated: 2013-07-29. Review status: criteria provided, single submitter. Criteria: EGL Classification Definitions 2015. Collection method: clinical testing. Allele origin: germline. Observed: 1 variant allele, 1 heterozygote.